The following is an entry in ClinVar:

NM_001009944.3(PKD1):c.9578C>G (p.Pro3193Arg)

Gene: PKD1 (polycystin 1, transient receptor potential channel interacting; minus strand). Cytogenetic location: 16p13.3.
Variant type: single nucleotide variant.
Coding change: c.9578C>G on transcript NM_001009944.3 (MANE Select); coding-DNA position 9578, C replaced by G.
Protein change: p.Pro3193Arg; replaces proline 3193 with arginine.
Molecular consequence: missense variant.
Genome position (GRCh38, 1-based): chr16:2,100,300, G>C on the plus strand (C>G on the coding strand, the complement: PKD1 is on the minus strand). VCF-style: chr16-2100300-G-C. GRCh37 (hg19) VCF-style: chr16-2150301-G-C.
Other names: c.9578C>G, p.Pro3193Arg (NM_000296.4); short protein forms P3193R.
Identifiers: ClinVar variation 3344834 (VCV003344834.1).
Genomic context (GRCh38, chr16:2,100,300, plus strand): 5'-AAGAAGGCGCTGCGTGCCGTCTGCAGGTCCCTGACGATGACGTGCTGCAGGAACCAGGCA[G>C]GGCTGAGCCCTGCAGAGGCGCAGGAGGGAGGTCAGGCTCGCAGGGCGCCCCAATGCGGGG-3'
Protein context (NP_001009944.3, residues 3183-3203): RVWHDNKGLS[Pro3193Arg]AWFLQHVIVR

ClinVar aggregate classification (germline): Uncertain significance (0 of 4 stars; one submission).

Conditions:
PKD1-related disorder. Also called: PKD1-related condition.

Submission:

PreventionGenetics, part of Exact Sciences
Classification: Uncertain significance for PKD1-related condition. Last evaluated: 2024-05-21. Review status: no assertion criteria provided. Collection method: clinical testing. Allele origin: germline.
Comment: The PKD1 c.9578C>G variant is predicted to result in the amino acid substitution p.Pro3193Arg. To our knowledge, this variant has not been reported in the literature or in a large population database, indicating this variant is rare. Two alternate substitutions at this amino acid position (Leu, Ser) have been reported in patients with autosomal dominant polycystic kidney disease (Table S5, Audrézet et al. 2012. PubMed ID: 22508176; Table S1, Cornec-Le Gall et al. 2013. PubMed ID: 23431072; Table S2; Jin et al. 2016. PubMed ID: 27782177). Although we suspect that this variant may be pathogenic, at this time, the clinical significance of this variant is uncertain due to the absence of conclusive functional and genetic evidence.